The following is an entry in ClinVar:

NM_000368.5(TSC1):c.1680_1702del (p.Ser561fs)

Gene: TSC1 (TSC complex subunit 1; minus strand). Cytogenetic location: 9q34.13.
Variant type: Deletion.
Coding change: c.1680_1702del on transcript NM_000368.5 (MANE Select); coding-DNA positions 1680 to 1702, 23 bases deleted (CAGTGCTGATGAAAGCCCTGCGG).
Protein change: p.Ser561fs; shifts the reading frame from serine 561.
Molecular consequence: frameshift variant.
Genome position (GRCh38, 1-based): chr9:132,905,876-132,905,898, CCGCAGGGCTTTCATCAGCACTG deleted on the plus strand (CAGTGCTGATGAAAGCCCTGCGG on the coding strand, the reverse complement: TSC1 is on the minus strand); deleting any 23 consecutive bases within chr9:132,905,876-132,905,907 gives the same sequence; the c. name uses the placement nearest the transcript's 3' end. VCF-style (leftmost placement, unchanged base first): chr9-132905875-CCCGCAGGGCTTTCATCAGCACTG-C. GRCh37 (hg19) VCF-style: chr9-135781262-CCCGCAGGGCTTTCATCAGCACTG-C.
Other names: c.1677_1699del, p.Ser560fs (NM_001162426.2); c.1527_1549del, p.Ser510fs (NM_001162427.2); c.1317_1339del, p.Ser440fs (NM_001362177.2); short protein forms S561fs, S440fs, S510fs, S560fs.
Identifiers: ClinVar variation 64763 (VCV000064763.10), dbSNP rs118203557, ClinGen allele CA005156.

ClinVar aggregate classification (germline): Pathogenic. Review status: criteria provided, multiple submitters, no conflicts (2 of 4 stars). 6 submissions from 5 submitters: Pathogenic (3). 3 of the submissions do not count toward it. Last evaluated 2021-11-07.

Conditions:
Tuberous sclerosis 1 (TSC1). Identifiers: Orphanet 805, MedGen C1854465, MONDO:0008612, OMIM 191100.
Tuberous sclerosis syndrome (TSC). Also called: Tuberous Sclerosis Complex; Tuberous sclerosis. Identifiers: Orphanet 805, MedGen C0041341, MONDO:0001734.

Submissions (6):

Genome-Nilou Lab
Classification: Pathogenic for Tuberous sclerosis 1. Last evaluated: 2021-11-07. Review status: criteria provided, single submitter. Criteria: ACMG Guidelines, 2015. Collection method: clinical testing. Allele origin: germline. Affected: no.

Labcorp Genetics (formerly Invitae), Labcorp
Classification: Pathogenic for Tuberous sclerosis 1. Last evaluated: 2018-05-29. Review status: criteria provided, single submitter. Criteria: Invitae Variant Classification Sherloc (09022015). Collection method: clinical testing. Allele origin: germline.
Comment: This sequence change creates a premature translational stop signal (p.Ser561Argfs*19) in the TSC1 gene. It is expected to result in an absent or disrupted protein product. For these reasons, this variant has been classified as Pathogenic. Loss-of-function variants in TSC1 are known to be pathogenic (PMID: 10227394, 17304050). This variant has been reported in an individual in the Leiden Open-source Variation Database (PMID: 21520333). ClinVar contains an entry for this variant (Variation ID: 64763). This variant is not present in population databases (ExAC no frequency).

Athena Diagnostics
Classification: Pathogenic. Last evaluated: 2017-12-12. Review status: criteria provided, single submitter. Criteria: Athena Diagnostics Criteria. Collection method: clinical testing. Allele origin: germline.

OMIM
Classification: Pathogenic for TUBEROUS SCLEROSIS 1. Last evaluated: 1999-06-04. Review status: no assertion criteria provided. Collection method: literature only. Allele origin: germline. Not counted in ClinVar's aggregate classification.

Tuberous sclerosis database (TSC1)
No classification provided. Condition: TSC. Review status: no classification provided. Criteria: Tuberous Sclerosis Database Assertion Criteria 2015. Collection method: curation. Allele origin: germline. Affected: yes. Not counted in ClinVar's aggregate classification.

Tuberous sclerosis database (TSC1)
No classification provided. Condition: TSC. Review status: flagged submission. Criteria: Tuberous Sclerosis Database Assertion Criteria 2015. Collection method: curation. Allele origin: germline. Affected: yes. Not counted in ClinVar's aggregate classification.
ClinVar note: Reason: This record appears to be redundant with a more recent record from the same submitter.
ClinVar note: Notes: SCV000065843 appears to be redundant with SCV000083162.

Literature cited by the submitters: PubMed 10227394 (cited by Labcorp Genetics (formerly Invitae), Labcorp); PubMed 17304050 (cited by Labcorp Genetics (formerly Invitae), Labcorp); PubMed 21520333 (cited by Labcorp Genetics (formerly Invitae), Labcorp); PubMed 15798777 (cited by Athena Diagnostics); PubMed 10340649 (cited by OMIM).